The following is an entry in ClinVar:

ClinVar aggregate classification (germline): Uncertain significance (1 of 4 stars; one submission).

Allele frequency attached by ClinVar (database versions not stated): gnomAD exomes below 0.00001 and 0.00001; TOPMed below 0.00001; gnomAD 0.00001; ExAC 0.00002.
gnomAD v4.1: 8 of 1,613,992 alleles (0.0005%); highest among the groups gnomAD compares: Non-Finnish European, 0.000085%; no homozygotes.

Submission:

Women's Health and Genetics/Laboratory Corporation of America, LabCorp
Classification: Uncertain significance. Last evaluated: 2022-06-20. Review status: criteria provided, single submitter. Criteria: LabCorp Variant Classification Summary - May 2015. Collection method: clinical testing. Allele origin: germline.
Comment: Variant summary: TTN c.2260G>A (p.Ala754Thr) results in a non-conservative amino acid change located in the Z-disk of the encoded protein sequence. Three of five in-silico tools predict a benign effect of the variant on protein function. The variant allele was found at a frequency of 1.2e-05 in 251158 control chromosomes (gnomAD). The available data on variant occurrences in the general population are insufficient to allow any conclusion about variant significance. To our knowledge, no occurrence of c.2260G>A in individuals affected with Limb-Girdle Muscular Dystrophy, Type 2J and no experimental evidence demonstrating its impact on protein function have been reported. No clinical diagnostic laboratories have submitted clinical-significance assessments for this variant to ClinVar after 2014. Based on the evidence outlined above, the variant was classified as uncertain significance.

NM_001267550.2(TTN):c.2260G>A (p.Ala754Thr)

Gene: TTN (titin; minus strand). Cytogenetic location: 2q31.2.
Variant type: single nucleotide variant.
Coding change: c.2260G>A on transcript NM_001267550.2 (MANE Select); coding-DNA position 2260, G replaced by A.
Protein change: p.Ala754Thr; replaces alanine 754 with threonine.
Molecular consequence: missense variant.
Genome position (GRCh38, 1-based): chr2:178,785,958, C>T on the plus strand (G>A on the coding strand, the complement: TTN is on the minus strand). VCF-style: chr2-178785958-C-T. GRCh37 (hg19) VCF-style: chr2-179650685-C-T.
Other names: c.2260G>A, p.Ala754Thr (NM_001256850.1, NM_133378.4, NM_133379.5); c.2122G>A, p.Ala708Thr (NM_003319.4, NM_133432.3, NM_133437.4); short protein forms A708T, A754T.
Identifiers: ClinVar variation 1698597 (VCV001698597.1), dbSNP rs754073908, ClinGen allele CA2005869.